The following is an entry in ClinVar:

ClinVar aggregate classification (germline): Pathogenic (1 of 4 stars; one submission).

Submission:

Labcorp Genetics (formerly Invitae), Labcorp
Classification: Pathogenic. Last evaluated: 2024-05-12. Review status: criteria provided, single submitter. Criteria: Invitae Variant Classification Sherloc (09022015). Collection method: clinical testing. Allele origin: germline.
Comment: This sequence change creates a premature translational stop signal (p.Glu986Argfs*29) in the MYO6 gene. It is expected to result in an absent or disrupted protein product. Loss-of-function variants in MYO6 are known to be pathogenic (PMID: 12687499, 18348273, 23767834, 25999546, 30582396). This variant is not present in population databases (gnomAD no frequency). This variant has not been reported in the literature in individuals affected with MYO6-related conditions. For these reasons, this variant has been classified as Pathogenic.

Literature cited by the submitters: PubMed 12687499; PubMed 18348273; PubMed 23767834; PubMed 25999546; PubMed 30582396.

NM_004999.4(MYO6):c.2956del (p.Glu986fs)

Gene: MYO6 (myosin VI; plus strand). Cytogenetic location: 6q14.1.
Variant type: Deletion.
Coding change: c.2956del on transcript NM_004999.4 (MANE Select); coding-DNA position 2956, one base deleted (G; older notation c.2956delG).
Protein change: p.Glu986fs; shifts the reading frame from glutamic acid 986.
Molecular consequence: frameshift variant. On other transcripts: non-coding transcript variant (1).
Genome position (GRCh38, 1-based): chr6:75,892,539, G deleted; the last of 2 consecutive G bases (chr6:75,892,538-75,892,539); deleting either gives the same sequence. VCF-style (leftmost placement, unchanged base first): chr6-75892537-TG-T. GRCh37 (hg19) VCF-style: chr6-76602254-TG-T.
Other names: c.2956del, p.Glu986fs (NM_001300899.2, NM_001368136.1, NM_001368137.1 and 2 more transcripts); c.2941del, p.Glu981fs (NM_001368138.1); short protein forms E981fs, E986fs.
Identifiers: ClinVar variation 3653136 (VCV003653136.2).
Genomic context (GRCh38, chr6:75,892,537, plus strand): 5'-ATCAAGTAAACAAGTGAAGAACTCTTGGTGAAATAGCTTTCTGCCCTTGTCAGGCTGAAG[TG>T]GAGGCACAGCTGGCCCGACAGAAGGAGGAGGAATCCCAACAGCAAGCAGTTCTGGAGCAG-3'